The following is an entry in ClinVar:

NM_005591.4(MRE11):c.1913A>T (p.Lys638Met)

Gene: MRE11 (MRE11 double strand break repair nuclease; minus strand). Cytogenetic location: 11q21.
Variant type: single nucleotide variant.
Coding change: c.1913A>T on transcript NM_005591.4 (MANE Select); coding-DNA position 1913, A replaced by T.
Protein change: p.Lys638Met; replaces lysine 638 with methionine.
Molecular consequence: missense variant.
Genome position (GRCh38, 1-based): chr11:94,437,190, T>A on the plus strand (A>T on the coding strand, the complement: MRE11 is on the minus strand). VCF-style: chr11-94437190-T-A. GRCh37 (hg19) VCF-style: chr11-94170356-T-A.
Other names: c.1910A>T, p.Lys637Met (NM_001330347.2); c.1829A>T, p.Lys610Met (NM_005590.4); short protein forms K637M, K638M, K610M.
Identifiers: ClinVar variation 663369 (VCV000663369.12), dbSNP rs1591642491, ClinGen allele CA382374649.
Genomic context (GRCh38, chr11:94,437,190, plus strand): 5'-AGAAAACATAAATTATTAATACACAACCATAAAACTTTTTTTCTTACCTCTGAATAATTC[T>A]TAGTAGTGACATTTCGGGAAGGCTGCTGTCTTGTAGATTTAAAGGCTAGAATGAAAAAGA-3'
Protein context (NP_005582.1, residues 628-648): RQQPSRNVTT[Lys638Met]NYSEVIEVDE

ClinVar aggregate classification (germline): Uncertain significance. Review status: criteria provided, multiple submitters, no conflicts (2 of 4 stars). 3 submissions from 3 submitters: Uncertain significance (3). Last evaluated 2024-03-30.

Conditions:
Hereditary cancer-predisposing syndrome. Also called: Neoplastic Syndromes, Hereditary; Tumor predisposition; Hereditary neoplastic syndrome; Hereditary Cancer Syndrome. Identifiers: Orphanet 140162, MedGen C0027672, MeSH D009386, MONDO:0015356.
Ataxia-telangiectasia-like disorder (ATLD). Identifiers: MedGen C1858391, MONDO:0011457.
Ataxia-telangiectasia-like disorder 1 (ATLD1). Identifiers: Orphanet 251347, MedGen C4012790, MONDO:0024557, OMIM 604391.

Submissions (3):

Ambry Genetics
Classification: Uncertain significance for Hereditary cancer-predisposing syndrome. Last evaluated: 2024-03-30. Review status: criteria provided, single submitter. Criteria: Ambry Variant Classification Scheme 2023. Collection method: clinical testing. Allele origin: germline.
Comment: The p.K638M variant (also known as c.1913A>T), located in coding exon 16 of the MRE11A gene, results from an A to T substitution at nucleotide position 1913. The lysine at codon 638 is replaced by methionine, an amino acid with similar properties. This amino acid position is highly conserved in available vertebrate species. In addition, the in silico prediction for this alteration is inconclusive. Since supporting evidence is limited at this time, the clinical significance of this alteration remains unclear.

Baylor Genetics
Classification: Uncertain significance for Ataxia-telangiectasia-like disorder 1. Last evaluated: 2024-03-21. Review status: criteria provided, single submitter. Criteria: ACMG Guidelines, 2015. Collection method: clinical testing. Allele origin: unknown.

Labcorp Genetics (formerly Invitae), Labcorp
Classification: Uncertain significance for Ataxia-telangiectasia-like disorder. Last evaluated: 2021-08-30. Review status: criteria provided, single submitter. Criteria: Invitae Variant Classification Sherloc (09022015). Collection method: clinical testing. Allele origin: germline.
Comment: This sequence change replaces lysine with methionine at codon 638 of the MRE11 protein (p.Lys638Met). The lysine residue is moderately conserved and there is a moderate physicochemical difference between lysine and methionine. This variant is not present in population databases (ExAC no frequency). This variant has not been reported in the literature in individuals affected with MRE11-related conditions. Algorithms developed to predict the effect of missense changes on protein structure and function are either unavailable or do not agree on the potential impact of this missense change (SIFT: "Deleterious"; PolyPhen-2: "Possibly Damaging"; Align-GVGD: "Class C0"). In summary, the available evidence is currently insufficient to determine the role of this variant in disease. Therefore, it has been classified as a Variant of Uncertain Significance.